The following is an entry in ClinVar:

ClinVar aggregate classification (germline): Uncertain significance. Review status: criteria provided, multiple submitters, no conflicts (2 of 4 stars). 3 submissions from 3 submitters: Uncertain significance (3). Last evaluated 2026-01-26.

Conditions:
Hypertrophic cardiomyopathy. Also called: HYPERTROPHIC MYOCARDIOPATHY. Identifiers: Orphanet 217569, MedGen C0007194, MeSH D002312, MONDO:0005045, HP:0001639.
Cardiovascular phenotype. Identifiers: MedGen CN230736.
Cardiomyopathy (CMYO). Also called: Cardiomyopathies. Identifiers: Orphanet 167848, MedGen C0878544, MONDO:0004994, HP:0001638. Inheritance: Various modes of inheritance.

Submissions (3):

Labcorp Genetics (formerly Invitae), Labcorp
Classification: Uncertain significance for Hypertrophic cardiomyopathy. Last evaluated: 2026-01-26. Review status: criteria provided, single submitter. Criteria: Invitae Variant Classification Sherloc (09022015). Collection method: clinical testing. Allele origin: germline.
Comment: This sequence change falls in intron 25 of the MYH7 gene. It does not directly change the encoded amino acid sequence of the MYH7 protein. It affects a nucleotide within the consensus splice site. This variant is not present in population databases (gnomAD no frequency). This variant has not been reported in the literature in individuals affected with MYH7-related conditions. ClinVar contains an entry for this variant (Variation ID: 3072876). Variants that disrupt the consensus splice site are a relatively common cause of aberrant splicing (PMID: 17576681, 9536098). Algorithms developed to predict the effect of sequence changes on RNA splicing suggest that this variant may disrupt the consensus splice site. In summary, the available evidence is currently insufficient to determine the role of this variant in disease. Therefore, it has been classified as a Variant of Uncertain Significance.

Ambry Genetics
Classification: Uncertain significance for Cardiovascular phenotype. Last evaluated: 2025-04-03. Review status: criteria provided, single submitter. Criteria: Ambry Variant Classification Scheme 2023. Collection method: clinical testing. Allele origin: germline.
Comment: The c.3245+3A>G intronic variant results from an A to G substitution 3 nucleotides after coding exon 23 in the MYH7 gene. This nucleotide position is highly conserved in available vertebrate species. In silico splice site analysis predicts that this alteration may weaken the native splice donor site. Based on the available evidence, the clinical significance of this variant remains unclear.

All of Us Research Program, National Institutes of Health
Classification: Uncertain significance for Cardiomyopathy. Last evaluated: 2023-08-15. Review status: criteria provided, single submitter. Criteria: ACMG Guidelines, 2015. Collection method: clinical testing. Allele origin: germline. Inheritance: Autosomal dominant inheritance. Observed: 1 variant allele, 1 heterozygote.
Comment: This variant causes an A to G nucleotide substitution at the +3 position of intron 25 of the MYH7 gene. To our knowledge, functional studies have not been reported for this variant. Splice site prediction tools are inconclusive regarding the impact of this variant on RNA splicing. This variant has not been reported in individuals affected with MYH7-related disorders in the literature. This variant has not been identified in the general population by the Genome Aggregation Database (gnomAD). The available evidence is insufficient to determine the role of this variant in disease conclusively. Therefore, this variant is classified as a Variant of Uncertain Significance.

This study involves interpretation of variants in research participants for the purpose of population health screening. Participant phenotype was not available at the time of variant classification. Additional details can be found in publication PMID: 35346344, PMCID: PMC8962531

Literature cited by the submitters: PubMed 17576681 (cited by Labcorp Genetics (formerly Invitae), Labcorp); PubMed 9536098 (cited by Labcorp Genetics (formerly Invitae), Labcorp).

NM_000257.4(MYH7):c.3245+3A>G

Gene: MYH7 (myosin heavy chain 7; minus strand). Cytogenetic location: 14q11.2.
Variant type: single nucleotide variant.
Coding change: c.3245+3A>G on transcript NM_000257.4 (MANE Select); 3 bases into the intron after coding-DNA position 3245, A replaced by G.
Molecular consequence: intron variant.
Genome position (GRCh38, 1-based): chr14:23,422,177, T>C on the plus strand (A>G on the coding strand, the complement: MYH7 is on the minus strand). VCF-style: chr14-23422177-T-C. GRCh37 (hg19) VCF-style: chr14-23891386-T-C.
Other names: c.3245+3A>G (NM_001407004.1).
Identifiers: ClinVar variation 3072876 (VCV003072876.3), dbSNP rs727505355, ClinGen allele CA257817867.
Genomic context (GRCh38, chr14:23,422,177, plus strand): 5'-TGGGTCTGCTTGTACTGTTATGGGCTGGGGAGGAGGAAGGGCAGCAGGGAGGGGACACAG[T>C]ACTTTTTCAGCCGCTCATCCAGCTGCTGCTTGTCATTCTCCAGGTCCATGATGCTCTCCT-3'